The following is an entry in ClinVar:

NM_001375524.1(TRRAP):c.9262G>A (p.Val3088Ile)

Gene: TRRAP (transformation/transcription domain associated protein; plus strand). Cytogenetic location: 7q22.1.
Variant type: single nucleotide variant.
Coding change: c.9262G>A on transcript NM_001375524.1 (MANE Select); coding-DNA position 9262, G replaced by A.
Protein change: p.Val3088Ile; replaces valine 3088 with isoleucine.
Molecular consequence: missense variant.
Genome position (GRCh38, 1-based): chr7:98,984,332, G>A. VCF-style: chr7-98984332-G-A. GRCh37 (hg19) VCF-style: chr7-98581955-G-A.
Other names: c.9187G>A (NM_003496.3); c.9274G>A (NM_001244580.1); c.9274G>A, p.Val3092Ile (NM_001244580.2); c.9187G>A, p.Val3063Ile (NM_003496.4); short protein forms V3088I, V3063I, V3092I.
Identifiers: ClinVar variation 2140849 (VCV002140849.7), dbSNP rs200203849, ClinGen allele CA4361653.

ClinVar aggregate classification (germline): Benign/Likely benign. Review status: criteria provided, multiple submitters, no conflicts (2 of 4 stars). 3 submissions from 3 submitters: Benign (1); Likely benign (1). 1 of the submissions does not count toward it. Last evaluated 2025-02-25.

Conditions:
TRRAP-related disorder. Also called: TRRAP-related condition.
Inborn genetic diseases. Identifiers: MedGen C0950123, MeSH D030342.

Allele frequency attached by ClinVar (database versions not stated): gnomAD 0.00005; TOPMed 0.00007; ExAC 0.00017.
gnomAD v4.1: 101 of 1,591,966 alleles (0.0063%); highest among the groups gnomAD compares: Admixed American, 0.043%; no homozygotes.

Submissions (3):

Labcorp Genetics (formerly Invitae), Labcorp
Classification: Benign. Last evaluated: 2025-02-25. Review status: criteria provided, single submitter. Criteria: Invitae Variant Classification Sherloc (09022015). Collection method: clinical testing. Allele origin: germline.

Ambry Genetics
Classification: Likely benign for Inborn genetic diseases. Last evaluated: 2024-05-26. Review status: criteria provided, single submitter. Criteria: Ambry Variant Classification Scheme 2023. Collection method: clinical testing. Allele origin: germline.

PreventionGenetics, part of Exact Sciences
Classification: Likely benign for TRRAP-related condition. Last evaluated: 2022-03-28. Review status: no assertion criteria provided. Collection method: clinical testing. Allele origin: germline. Not counted in ClinVar's aggregate classification.
Comment: This variant is classified as likely benign based on ACMG/AMP sequence variant interpretation guidelines (Richards et al. 2015 PMID: 25741868, with internal and published modifications).